The following is an entry in ClinVar:

ClinVar aggregate classification (germline): Uncertain significance (1 of 4 stars; one submission).

gnomAD v4.1: 1 of 1,613,662 alleles (0.000062%); highest among the groups gnomAD compares: East Asian, 0.0022%; no homozygotes.

Submission:

Labcorp Genetics (formerly Invitae), Labcorp
Classification: Uncertain significance. Last evaluated: 2024-04-02. Review status: criteria provided, single submitter. Criteria: Invitae Variant Classification Sherloc (09022015). Collection method: clinical testing. Allele origin: germline.
Comment: This sequence change replaces serine, which is neutral and polar, with threonine, which is neutral and polar, at codon 3891 of the PCLO protein (p.Ser3891Thr). This variant is not present in population databases (gnomAD no frequency). This variant has not been reported in the literature in individuals affected with PCLO-related conditions. Algorithms developed to predict the effect of missense changes on protein structure and function output the following: SIFT: "Not Available"; PolyPhen-2: "Not Available"; Align-GVGD: "Not Available". The threonine amino acid residue is found in multiple mammalian species, which suggests that this missense change does not adversely affect protein function. In summary, the available evidence is currently insufficient to determine the role of this variant in disease. Therefore, it has been classified as a Variant of Uncertain Significance.

NM_033026.6(PCLO):c.11671T>A (p.Ser3891Thr)

Gene: PCLO (piccolo presynaptic cytomatrix protein; minus strand). Cytogenetic location: 7q21.11.
Variant type: single nucleotide variant.
Coding change: c.11671T>A on transcript NM_033026.6 (MANE Select); coding-DNA position 11671, T replaced by A.
Protein change: p.Ser3891Thr; replaces serine 3891 with threonine.
Molecular consequence: missense variant.
Genome position (GRCh38, 1-based): chr7:82,916,315, A>T on the plus strand (T>A on the coding strand, the complement: PCLO is on the minus strand). VCF-style: chr7-82916315-A-T. GRCh37 (hg19) VCF-style: chr7-82545631-A-T.
Other names: c.11671T>A, p.Ser3891Thr (NM_014510.3); short protein forms S3891T.
Identifiers: ClinVar variation 3631857 (VCV003631857.2).